The following is an entry in ClinVar:

ClinVar aggregate classification (germline): Uncertain significance. Review status: criteria provided, multiple submitters, no conflicts (2 of 4 stars). 3 submissions from 3 submitters: Uncertain significance (3). Last evaluated 2025-08-20.

Allele frequency attached by ClinVar (database versions not stated): gnomAD 0.00002; TOPMed 0.00002; ExAC 0.00004.
gnomAD v4.1: 51 of 1,614,106 alleles (0.0032%); highest among the groups gnomAD compares: East Asian, 0.013%; no homozygotes.

Submissions (3):

Mayo Clinic Laboratories, Mayo Clinic
Classification: Uncertain significance. Last evaluated: 2025-08-20. Review status: criteria provided, single submitter. Criteria: ACMG Guidelines, 2015. Collection method: clinical testing. Allele origin: germline. Observed: 2 variant alleles.
Comment: BP4_moderate

Labcorp Genetics (formerly Invitae), Labcorp
Classification: Uncertain significance. Last evaluated: 2025-01-05. Review status: criteria provided, single submitter. Criteria: Invitae Variant Classification Sherloc (09022015). Collection method: clinical testing. Allele origin: germline.
Comment: This sequence change replaces arginine, which is basic and polar, with histidine, which is basic and polar, at codon 122 of the TGM6 protein (p.Arg122His). This variant is present in population databases (rs760044645, gnomAD 0.007%). This variant has not been reported in the literature in individuals affected with TGM6-related conditions. ClinVar contains an entry for this variant (Variation ID: 2726136). Invitae Evidence Modeling of protein sequence and biophysical properties (such as structural, functional, and spatial information, amino acid conservation, physicochemical variation, residue mobility, and thermodynamic stability) indicates that this missense variant is not expected to disrupt TGM6 protein function with a negative predictive value of 95%. In summary, the available evidence is currently insufficient to determine the role of this variant in disease. Therefore, it has been classified as a Variant of Uncertain Significance.

Women's Health and Genetics/Laboratory Corporation of America, LabCorp
Classification: Uncertain significance. Last evaluated: 2024-12-26. Review status: criteria provided, single submitter. Criteria: LabCorp Variant Classification Summary - May 2015. Collection method: clinical testing. Allele origin: germline.
Comment: Variant summary: TGM6 c.365G>A (p.Arg122His) results in a non-conservative amino acid change in the encoded protein sequence. Four of five in-silico tools predict a benign effect of the variant on protein function. The variant allele was found at a frequency of 3.6e-05 in 251480 control chromosomes. The available data on variant occurrences in the general population are insufficient to allow any conclusion about variant significance. To our knowledge, no occurrence of c.365G>A in individuals affected with Spinocerebellar Ataxia 35 and no experimental evidence demonstrating its impact on protein function have been reported. ClinVar contains an entry for this variant (Variation ID: 2726136). Based on the evidence outlined above, the variant was classified as uncertain significance.

NM_198994.3(TGM6):c.365G>A (p.Arg122His)

Gene: TGM6 (transglutaminase 6; plus strand). Cytogenetic location: 20p13.
Variant type: single nucleotide variant.
Coding change: c.365G>A on transcript NM_198994.3 (MANE Select); coding-DNA position 365, G replaced by A.
Protein change: p.Arg122His; replaces arginine 122 with histidine.
Molecular consequence: missense variant.
Genome position (GRCh38, 1-based): chr20:2,395,377, G>A. VCF-style: chr20-2395377-G-A. GRCh37 (hg19) VCF-style: chr20-2376023-G-A.
Other names: p.Arg122His; c.365G>A, p.Arg122His (NM_001254734.2); short protein forms R122H.
Identifiers: ClinVar variation 2726136 (VCV002726136.6), dbSNP rs760044645, ClinGen allele CA9731619.